The following is an entry in ClinVar:

NM_000219.6(KCNE1):c.-100T>C

Gene: KCNE1 (potassium voltage-gated channel subfamily E regulatory subunit 1; minus strand). Cytogenetic location: 21q22.12.
Variant type: single nucleotide variant.
Coding change: c.-100T>C on transcript NM_000219.6 (MANE Select); 100 bases upstream of the start codon, T replaced by C.
Molecular consequence: 5 prime UTR variant. On other transcripts: intron variant (1).
Genome position (GRCh38, 1-based): chr21:34,458,703, A>G on the plus strand (T>C on the coding strand, the complement: KCNE1 is on the minus strand). VCF-style: chr21-34458703-A-G. GRCh37 (hg19) VCF-style: chr21-35831001-A-G.
Other names: c.-100T>C (NM_001127668.4, NM_001127669.4, NM_001270402.3 and 2 more transcripts); c.-50-9019T>C (NM_001270404.3).
Identifiers: ClinVar variation 339776 (VCV000339776.7), dbSNP rs41314819, ClinGen allele CA10652891.
Genomic context (GRCh38, chr21:34,458,703, plus strand): 5'-GCAGGTCCTACCTGAATATCCTTGGCTATTTCCTCTGGATACAGATAATGCCTTCCTCCA[A>G]TGGATCCTCGGCTCACCTGATGATTGTGTGAAACTGGCCAGAGAAAGCAGAGGGATTTTT-3'

ClinVar aggregate classification (germline): Benign/Likely benign. Review status: criteria provided, multiple submitters, no conflicts (2 of 4 stars). 4 submissions from 3 submitters: Benign (1); Likely benign (3). Last evaluated 2018-05-31.

Conditions:
Jervell and Lange-Nielsen syndrome 2 (JLNS2). Identifiers: Orphanet 768, Orphanet 90647, MedGen C2676723, MONDO:0012871, OMIM 612347.
Long QT syndrome 5 (LQT5). Identifiers: Orphanet 101016, Orphanet 768, MedGen C1867904, MONDO:0013372, OMIM 613695.

Allele frequency attached by ClinVar (database versions not stated): gnomAD 0.00267; 1000 Genomes Project 0.00459.

Submissions (4):

Blueprint Genetics
Classification: Likely benign. Last evaluated: 2018-05-31. Review status: criteria provided, single submitter. Criteria: ACMG Guidelines, 2015. Collection method: clinical testing. Allele origin: germline.

Illumina Laboratory Services, Illumina
Classification: Benign for Jervell and Lange-Nielsen syndrome 2. Last evaluated: 2018-01-12. Review status: criteria provided, single submitter. Criteria: ICSL Variant Classification Criteria 13 December 2019. Collection method: clinical testing. Allele origin: germline.
Comment: This variant was observed in the ICSL laboratory as part of a predisposition screen in an ostensibly healthy population. It had not been previously curated by ICSL or reported in the Human Gene Mutation Database (HGMD: prior to June 1st, 2018), and was therefore a candidate for classification through an automated scoring system. Utilizing variant allele frequency, disease prevalence and penetrance estimates, and inheritance mode, an automated score was calculated to assess if this variant is too frequent to cause the disease. Based on the score and internal cut-off values, a variant classified as benign is not then subjected to further curation. The score for this variant resulted in a classification of benign for this disease.

Illumina Laboratory Services, Illumina
Classification: Likely benign for Long QT syndrome 5. Last evaluated: 2018-01-12. Review status: criteria provided, single submitter. Criteria: ICSL Variant Classification Criteria 13 December 2019. Collection method: clinical testing. Allele origin: germline.
Comment: This variant was observed in the ICSL laboratory as part of a predisposition screen in an ostensibly healthy population. It had not been previously curated by ICSL or reported in the Human Gene Mutation Database (HGMD: prior to June 1st, 2018), and was therefore a candidate for classification through an automated scoring system. Utilizing variant allele frequency, disease prevalence and penetrance estimates, and inheritance mode, an automated score was calculated to assess if this variant is too frequent to cause the disease. Based on the score and internal cut-off values, a variant classified as likely benign is not then subjected to further curation. The score for this variant resulted in a classification of likely benign for this disease.

GeneDx
Classification: Likely benign. Last evaluated: 2017-04-05. Review status: criteria provided, single submitter. Criteria: GeneDx Variant Classification (06012015). Collection method: clinical testing. Allele origin: germline. Affected: yes.
Comment: This variant is considered likely benign or benign based on one or more of the following criteria: it is a conservative change, it occurs at a poorly conserved position in the protein, it is predicted to be benign by multiple in silico algorithms, and/or has population frequency not consistent with disease.